The following is an entry in ClinVar:

ClinVar aggregate classification (germline): Pathogenic/Likely pathogenic. Review status: criteria provided, multiple submitters, no conflicts (2 of 4 stars). 2 submissions from 2 submitters: Pathogenic (1); Likely pathogenic (1). Last evaluated 2022-09-23.

Conditions:
Inborn genetic diseases. Identifiers: MedGen C0950123, MeSH D030342.
STAT3-related disorder. Also called: STAT3-related condition.

Submissions (2):

Ambry Genetics
Classification: Pathogenic for Inborn genetic diseases. Last evaluated: 2022-09-23. Review status: criteria provided, single submitter. Criteria: Ambry Variant Classification Scheme 2023. Collection method: clinical testing. Allele origin: germline.
Comment: The c.995A>T (p.H332L) alteration is located in exon 10 (coding exon 9) of the STAT3 gene. This alteration results from an A to T substitution at nucleotide position 995, causing the histidine (H) at amino acid position 332 to be replaced by a leucine (L)._x000D_ _x000D_ Based on the available evidence, the c.995A>T (p.H332L) alteration is classified as pathogenic for STAT3-related hyper-IgE recurrent infection syndrome; however, its clinical significance for STAT3-related infantile-onset multisystem autoimmune disease is unclear. This variant was not reported in population-based cohorts in the Genome Aggregation Database (gnomAD). This alteration has been observed in one individual with STAT3-related hyper-IgE recurrent infection syndrome (Schimke, 2010; Meyer-Bahlburg, 2012; Farmand, 2018). This amino acid position is highly conserved in available vertebrate species. This missense alteration is located in a region that has a low rate of benign missense variation (Lek, 2016; Firth, 2009). Based on internal structural analysis, p.H332L disrupts an important polar interaction between STAT3 and bound DNA (Becker, 1998; He, 2012; Nkansah, 2013; Li, 2016; Belo, 2019). This alteration is predicted to be deleterious by in silico analysis. Based on the available evidence, this alteration is classified as pathogenic.

Blueprint Genetics
Classification: Likely pathogenic for STAT3-related disorders. Last evaluated: 2020-12-29. Review status: criteria provided, single submitter. Criteria: ACMG Guidelines, 2015. Collection method: clinical testing. Allele origin: germline. Affected: yes. Observed: 2 variant alleles.

Literature cited by the submitters: PubMed 9671298 (cited by Ambry Genetics); PubMed 20816194 (cited by Ambry Genetics); PubMed 22030463 (cited by Ambry Genetics); PubMed 22581330 (cited by Ambry Genetics); PubMed 23434585 (cited by Ambry Genetics); PubMed 27803324 (cited by Ambry Genetics); PubMed 30315710 (cited by Ambry Genetics); PubMed 31170499 (cited by Ambry Genetics).

NM_139276.3(STAT3):c.995A>T (p.His332Leu)

Gene: STAT3 (signal transducer and activator of transcription 3; minus strand). Cytogenetic location: 17q21.2.
Variant type: single nucleotide variant.
Coding change: c.995A>T on transcript NM_139276.3 (MANE Select); coding-DNA position 995, A replaced by T.
Protein change: p.His332Leu; replaces histidine 332 with leucine.
Molecular consequence: missense variant.
Genome position (GRCh38, 1-based): chr17:42,333,727, T>A on the plus strand (A>T on the coding strand, the complement: STAT3 is on the minus strand). VCF-style: chr17-42333727-T-A. GRCh37 (hg19) VCF-style: chr17-40485745-T-A.
Other names: c.995A>T, p.His332Leu (NM_001369512.1, NM_001369513.1, NM_001369514.1 and 15 more transcripts); c.917A>T, p.His306Leu (NM_001384985.1); c.899A>T, p.His300Leu (NM_001384989.1); short protein forms H300L, H306L, H332L.
Identifiers: ClinVar variation 2308162 (VCV002308162.3), dbSNP rs2509391041, ClinGen allele CA399590683.